The following is an entry in ClinVar:

NM_001370466.1(NOD2):c.1559T>A (p.Leu520His)

Gene: NOD2 (nucleotide binding oligomerization domain containing 2; plus strand). Cytogenetic location: 16q12.1.
Variant type: single nucleotide variant.
Coding change: c.1559T>A on transcript NM_001370466.1 (MANE Select); coding-DNA position 1559, T replaced by A.
Protein change: p.Leu520His; replaces leucine 520 with histidine.
Molecular consequence: missense variant. On other transcripts: non-coding transcript variant (1).
Genome position (GRCh38, 1-based): chr16:50,711,551, T>A. VCF-style: chr16-50711551-T-A. GRCh37 (hg19) VCF-style: chr16-50745462-T-A.
Other names: c.1559T>A, p.Leu520His (NM_001293557.2); c.1640T>A, p.Leu547His (NM_022162.3); short protein forms L520H, L547H.
Identifiers: ClinVar variation 1960224 (VCV001960224.5), dbSNP rs762186831, ClinGen allele CA395869320.

ClinVar aggregate classification (germline): Uncertain significance (1 of 4 stars; one submission).

Conditions:
Blau syndrome (BLAUS). Also called: JABS SYNDROME; ARTHROCUTANEOUVEAL GRANULOMATOSIS; GRANULOMATOSIS, FAMILIAL JUVENILE SYSTEMIC; GRANULOMATOSIS, FAMILIAL, BLAU TYPE; GRANULOMATOUS INFLAMMATORY ARTHRITIS, DERMATITIS, AND UVEITIS, FAMILIAL. Identifiers: Orphanet 90340, MedGen C5201146, MONDO:0008523, OMIM 186580.
Regional enteritis. Also called: Enteritis, Granulomatous. Identifiers: MedGen C0678202, MeSH D003424.

gnomAD v4.1: 1 of 1,612,534 alleles (0.000062%); highest among the groups gnomAD compares: Admixed American, 0.0017%; no homozygotes.

Submission:

Labcorp Genetics (formerly Invitae), Labcorp
Classification: Uncertain significance for Regional enteritis; Blau syndrome. Last evaluated: 2024-10-29. Review status: criteria provided, single submitter. Criteria: Invitae Variant Classification Sherloc (09022015). Collection method: clinical testing. Allele origin: germline.
Comment: This sequence change replaces leucine, which is neutral and non-polar, with histidine, which is basic and polar, at codon 547 of the NOD2 protein (p.Leu547His). This variant is not present in population databases (gnomAD no frequency). This variant has not been reported in the literature in individuals affected with NOD2-related conditions. ClinVar contains an entry for this variant (Variation ID: 1960224). Invitae Evidence Modeling of protein sequence and biophysical properties (such as structural, functional, and spatial information, amino acid conservation, physicochemical variation, residue mobility, and thermodynamic stability) has been performed for this missense variant. However, the output from this modeling did not meet the statistical confidence thresholds required to predict the impact of this variant on NOD2 protein function. In summary, the available evidence is currently insufficient to determine the role of this variant in disease. Therefore, it has been classified as a Variant of Uncertain Significance.